The following is an entry in ClinVar:

NM_033343.4(LHX4):c.*97T>G

Genes: LHX4 (LIM homeobox 4; plus strand), LHX4-AS1 (LHX4 antisense RNA 1; minus strand), ACBD6 (acyl-CoA binding domain containing 6; minus strand). Cytogenetic location: 1q25.2.
Variant type: single nucleotide variant.
Coding change: c.*97T>G on transcript NM_033343.4 (MANE Select); 97 bases downstream of the stop codon, T replaced by G.
Molecular consequence: 3 prime UTR variant. On other transcripts: non-coding transcript variant (1).
Genome position (GRCh38, 1-based): chr1:180,274,676, T>G. VCF-style: chr1-180274676-T-G. GRCh37 (hg19) VCF-style: chr1-180243811-T-G.
Identifiers: ClinVar variation 293876 (VCV000293876.5), dbSNP rs145063714, ClinGen allele CA10608853.
Genomic context (GRCh38, chr1:180,274,676, plus strand): 5'-TGAGAGAATATCTTCAAGGATCAAAAGAGACTTGCCTTTTAAGGATCGAAAGTACGCCAA[T>G]GTGAATTTCCATTATTTTCAATGGAAGTCCTCCGCTGATTCCTAGAAGGCTGTGAGACCA-3'

ClinVar aggregate classification (germline): Benign (1 of 4 stars; one submission).

Conditions:
Short stature-pituitary and cerebellar defects-small sella turcica syndrome (CPHD4). Also called: Pituitary hormone deficiency, combined with or without cerebellar defects; Short stature, pituitary and cerebellar defects and small sella turcica. Identifiers: Orphanet 85442, MedGen C2678408, MONDO:0009880, OMIM 262700.

Allele frequency attached by ClinVar (database versions not stated): 1000 Genomes Project 30x 0.00468; 1000 Genomes Project 0.00519; TOPMed 0.01105; gnomAD 0.01144 and 0.01162.
gnomAD v4.1: 20,650 of 1,363,842 alleles (1.5%); highest among the groups gnomAD compares: Non-Finnish European, 1.8%; 187 homozygotes.

Submission:

Illumina Laboratory Services, Illumina
Classification: Benign for Short stature-pituitary and cerebellar defects-small sella turcica syndrome. Last evaluated: 2018-01-12. Review status: criteria provided, single submitter. Criteria: ICSL Variant Classification Criteria 13 December 2019. Collection method: clinical testing. Allele origin: germline.
Comment: This variant was observed in the ICSL laboratory as part of a predisposition screen in an ostensibly healthy population. It had not been previously curated by ICSL or reported in the Human Gene Mutation Database (HGMD: prior to June 1st, 2018), and was therefore a candidate for classification through an automated scoring system. Utilizing variant allele frequency, disease prevalence and penetrance estimates, and inheritance mode, an automated score was calculated to assess if this variant is too frequent to cause the disease. Based on the score and internal cut-off values, a variant classified as benign is not then subjected to further curation. The score for this variant resulted in a classification of benign for this disease.